The following is an entry in ClinVar:

NM_006019.4(TCIRG1):c.2074G>A (p.Asp692Asn)

Gene: TCIRG1 (T cell immune regulator 1, ATPase H+ transporting V0 subunit a3; plus strand). Cytogenetic location: 11q13.2.
Variant type: single nucleotide variant.
Coding change: c.2074G>A on transcript NM_006019.4 (MANE Select); coding-DNA position 2074, G replaced by A.
Protein change: p.Asp692Asn; replaces aspartic acid 692 with asparagine.
Molecular consequence: missense variant.
Genome position (GRCh38, 1-based): chr11:68,050,022, G>A. VCF-style: chr11-68050022-G-A. GRCh37 (hg19) VCF-style: chr11-67817489-G-A.
Other names: c.2074G>A (NM_006019.3); c.1180G>A, p.Asp394Asn (NM_001351059.2); c.1426G>A, p.Asp476Asn (NM_006053.4); short protein forms D394N, D476N, D692N.
Identifiers: ClinVar variation 1399049 (VCV001399049.6), dbSNP rs930344541, ClinGen allele CA224213219.

ClinVar aggregate classification (germline): Uncertain significance. Review status: criteria provided, single submitter (1 of 4 stars). 2 submissions from 2 submitters: Uncertain significance (1). 1 of the submissions does not count toward it. Last evaluated 2026-01-05.

Conditions:
TCIRG1-related disorder. Also called: TCIRG1-related condition.

Allele frequency attached by ClinVar (database versions not stated): gnomAD exomes 0.00001; gnomAD 0.00002.

Submissions (2):

Labcorp Genetics (formerly Invitae), Labcorp
Classification: Uncertain significance. Last evaluated: 2026-01-05. Review status: criteria provided, single submitter. Criteria: Invitae Variant Classification Sherloc (09022015). Collection method: clinical testing. Allele origin: germline.
Comment: This sequence change replaces aspartic acid, which is acidic and polar, with asparagine, which is neutral and polar, at codon 692 of the TCIRG1 protein (p.Asp692Asn). This variant is present in population databases (no rsID available, gnomAD 0.003%). This variant has not been reported in the literature in individuals affected with TCIRG1-related conditions. ClinVar contains an entry for this variant (Variation ID: 1399049). Invitae Evidence Modeling of protein sequence and biophysical properties (such as structural, functional, and spatial information, amino acid conservation, physicochemical variation, residue mobility, and thermodynamic stability) indicates that this missense variant is not expected to disrupt TCIRG1 protein function with a negative predictive value of 80%. In summary, the available evidence is currently insufficient to determine the role of this variant in disease. Therefore, it has been classified as a Variant of Uncertain Significance.

PreventionGenetics, part of Exact Sciences
Classification: Uncertain significance for TCIRG1-related condition. Last evaluated: 2024-09-27. Review status: no assertion criteria provided. Collection method: clinical testing. Allele origin: germline. Not counted in ClinVar's aggregate classification.
Comment: The TCIRG1 c.2074G>A variant is predicted to result in the amino acid substitution p.Asp692Asn. To our knowledge, this variant has not been reported in the literature. This variant is reported in 0.0031% of alleles in individuals of European (Non-Finnish) descent in gnomAD. At this time, the clinical significance of this variant is uncertain due to the absence of conclusive functional and genetic evidence.